The following is an entry in ClinVar:

ClinVar aggregate classification (germline): Uncertain significance (1 of 4 stars; one submission).

Conditions:
Niemann-Pick disease, type B. Also called: Chronic Visceral ASMD (Niemann-Pick Disease Type B; NPD-B). Identifiers: Orphanet 77293, MedGen C0268243, MONDO:0011871, OMIM 607616. Disease mechanism: loss of function.

Submission:

Neuberg Centre For Genomic Medicine, NCGM
Classification: Uncertain significance for Niemann-Pick disease, type B. Last evaluated: 2023-06-22. Review status: criteria provided, single submitter. Criteria: ACMG Guidelines, 2015. Collection method: clinical testing. Allele origin: germline. Inheritance: Autosomal recessive inheritance. Affected: yes.
Comment: The splice site c.1487-4G>A variant in the SMPD1 gene has not been reported previously as a pathogenic variant nor as a benign variant, to our knowledge. The variant is absent in gnomAD Exomes. Further studies are required to prove the pathogenicity of the variant. The splice AI tool predicts the variant to be Benign. For these reasons, this variant has been classified as Uncertain Significance (VUS).

NM_000543.5(SMPD1):c.1487-4G>A

Gene: SMPD1 (sphingomyelin phosphodiesterase 1; plus strand). Cytogenetic location: 11p15.4.
Variant type: single nucleotide variant.
Coding change: c.1487-4G>A on transcript NM_000543.5 (MANE Select); 4 bases into the intron before coding-DNA position 1487, G replaced by A.
Molecular consequence: intron variant. On other transcripts: synonymous variant (1), non-coding transcript variant (1).
Genome position (GRCh38, 1-based): chr11:6,394,194, G>A. VCF-style: chr11-6394194-G-A. GRCh37 (hg19) VCF-style: chr11-6415424-G-A.
Other names: c.1503G>A, p.Leu501= (NM_001318087.2); c.566-4G>A (NM_001318088.2); c.1355-4G>A (NM_001365135.2); c.1484-4G>A (NM_001007593.3).
Identifiers: ClinVar variation 3377539 (VCV003377539.1).
Genomic context (GRCh38, chr11:6,394,194, plus strand): 5'-GTGTGGCCCCTCCCTGGAGTTACCCTTGCTCCTTGCCCCTCCAGTCAGCCCCACATCCTT[G>A]CAGGTTACCGTGTGTACCAAATAGATGGAAACTACTCCGGGAGCTCTCACGTGGTCCTGG-3'